The following is an entry in ClinVar:

NM_014908.4(DOLK):c.597T>C (p.Gly199=)

Gene: DOLK (dolichol kinase; minus strand). Cytogenetic location: 9q34.11.
Variant type: single nucleotide variant.
Coding change: c.597T>C on transcript NM_014908.4 (MANE Select); coding-DNA position 597, T replaced by C.
Protein change: p.Gly199=; no amino-acid change (glycine 199 retained).
Molecular consequence: synonymous variant.
Genome position (GRCh38, 1-based): chr9:128,946,707, A>G on the plus strand (T>C on the coding strand, the complement: DOLK is on the minus strand). VCF-style: chr9-128946707-A-G. GRCh37 (hg19) VCF-style: chr9-131708986-A-G.
Identifiers: ClinVar variation 3895129 (VCV003895129.1).
Genomic context (GRCh38, chr9:128,946,707, plus strand): 5'-CTGACTTTCCACCAGTGTCAGAGAGCGCTTGATGAGCTGGTTGAGGACAAAGCTAATGCC[A>G]CCCAATACCAGCAGTGCCTCACCAGGGGTGAAGCAGCGGGGCAGCAGGTACAGCAGGATC-3'
Protein context (NP_055723.1, residues 189-209): FTPGEALLVL[Gly199=]GISFVLNQLI

ClinVar aggregate classification (germline): Likely benign (1 of 4 stars; one submission).

Submission:

Molecular Diagnostic Laboratory for Inherited Cardiovascular Disease, Montreal Heart Institute
Classification: Likely benign. Last evaluated: 2025-04-09. Review status: criteria provided, single submitter. Criteria: ACMG Guidelines, 2015. Collection method: clinical testing. Allele origin: germline. Affected: no.
Comment: BP7